The following is an entry in ClinVar:

ClinVar aggregate classification (germline): Uncertain significance (1 of 4 stars; one submission).

Submission:

Ambry Genetics
Classification: Uncertain significance. Last evaluated: 2022-03-06. Review status: criteria provided, single submitter. Criteria: Ambry Variant Classification Scheme 2023. Collection method: clinical testing. Allele origin: germline.
Comment: The p.G81D variant (also known as c.242G>A), located in coding exon 1 of the EGLN2 gene, results from a G to A substitution at nucleotide position 242. The glycine at codon 81 is replaced by aspartic acid, an amino acid with similar properties. This amino acid position is conserved. In addition, this alteration is predicted to be tolerated by in silico analysis. Since supporting evidence is limited at this time, the clinical significance of this alteration remains unclear.

NM_080732.4(EGLN2):c.242G>A (p.Gly81Asp)

Genes: EGLN2 (egl-9 family hypoxia inducible factor 2; plus strand), RAB4B-EGLN2 (RAB4B-EGLN2 readthrough (NMD candidate); plus strand). Cytogenetic location: 19q13.2.
Variant type: single nucleotide variant.
Coding change: c.242G>A on transcript NM_080732.4 (MANE Select); coding-DNA position 242, G replaced by A.
Protein change: p.Gly81Asp; replaces glycine 81 with aspartic acid.
Molecular consequence: missense variant. On other transcripts: non-coding transcript variant (1).
Genome position (GRCh38, 1-based): chr19:40,800,814, G>A. VCF-style: chr19-40800814-G-A. GRCh37 (hg19) VCF-style: chr19-41306719-G-A.
Other names: c.242G>A, p.Gly81Asp (NM_053046.4); short protein forms G81D.
Identifiers: ClinVar variation 1791149 (VCV001791149.2), dbSNP rs2515993270, ClinGen allele CA405954847.
Genomic context (GRCh38, chr19:40,800,814, plus strand): 5'-GTGGGACCCCCAGAGCCACAGCCACCTCTACCACTGCCAGCCCTCTTCGGGACGGTTTTG[G>A]CGGGCAGGATGGTGGTGAGCTGCGGCCGCTGCAGAGTGAAGGCGCTGCAGCGCTGGTCAC-3'
Protein context (NP_542770.2, residues 71-91): TTASPLRDGF[Gly81Asp]GQDGGELRPL